The following is an entry in ClinVar:

NM_001042750.2(STAG2):c.-97-3A>G

Gene: STAG2 (STAG2 cohesin complex component; plus strand). Cytogenetic location: Xq25.
Variant type: single nucleotide variant.
Coding change: c.-97-3A>G on transcript NM_001042750.2 (MANE Select); 3 bases into the intron before 97 bases upstream of the start codon, A replaced by G.
Molecular consequence: intron variant.
Genome position (GRCh38, 1-based): chrX:124,022,528, A>G. VCF-style: chrX-124022528-A-G. GRCh37 (hg19) VCF-style: chrX-123156378-A-G.
Other names: c.-97-3A>G (NM_001042749.2, NM_001375366.1, NM_001375373.1 and 13 more transcripts).
Identifiers: ClinVar variation 2501931 (VCV002501931.1), dbSNP rs2523544751, ClinGen allele CA2580612477.

ClinVar aggregate classification (germline): Uncertain significance (1 of 4 stars; one submission).

Submission:

GeneDx
Classification: Uncertain significance. Last evaluated: 2022-11-11. Review status: criteria provided, single submitter. Criteria: GeneDx Variant Classification Process June 2021. Collection method: clinical testing. Allele origin: germline. Affected: yes.
Comment: In silico analysis supports a deleterious effect on splicing; Has not been previously published as pathogenic or benign to our knowledge